The following is an entry in ClinVar:

NM_020971.3(SPTBN4):c.1608C>T (p.Ala536=)

Gene: SPTBN4 (spectrin beta, non-erythrocytic 4; plus strand). Cytogenetic location: 19q13.2.
Variant type: single nucleotide variant.
Coding change: c.1608C>T on transcript NM_020971.3 (MANE Select); coding-DNA position 1608, C replaced by T.
Protein change: p.Ala536=; no amino-acid change (alanine 536 retained).
Molecular consequence: synonymous variant.
Genome position (GRCh38, 1-based): chr19:40,504,075, C>T. VCF-style: chr19-40504075-C-T. GRCh37 (hg19) VCF-style: chr19-41009982-C-T.
Identifiers: ClinVar variation 1247120 (VCV001247120.5), dbSNP rs71358911, ClinGen allele CA9445685.

ClinVar aggregate classification (germline): Benign. Review status: criteria provided, multiple submitters, no conflicts (2 of 4 stars). 3 submissions from 3 submitters: Benign (2). 1 of the submissions does not count toward it. Last evaluated 2021-05-05.

Conditions:
SPTBN4-related disorder. Also called: SPTBN4-related condition.

Allele frequency attached by ClinVar (database versions not stated): 1000 Genomes Project 30x 0.02374; 1000 Genomes Project 0.02436; TOPMed 0.06089; gnomAD exomes 0.06613 and 0.09422; ExAC 0.06651; gnomAD 0.06825 and 0.07057; ESP Exome Variant Server 0.07789.
gnomAD v4.1: 146,585 of 1,605,084 alleles (9.1%); highest among the groups gnomAD compares: Non-Finnish European, 11%; 7,621 homozygotes.

Submissions (3):

GeneDx
Classification: Benign. Last evaluated: 2021-05-05. Review status: criteria provided, single submitter. Criteria: GeneDx Variant Classification Process June 2021. Collection method: clinical testing. Allele origin: germline. Affected: yes.

Breakthrough Genomics
Classification: Benign. Review status: criteria provided, single submitter. Criteria: ACMG Guidelines, 2015. Collection method: not provided. Allele origin: germline. Inheritance: Autosomal recessive inheritance. Affected: yes.

PreventionGenetics, part of Exact Sciences
Classification: Benign for SPTBN4-related condition. Last evaluated: 2024-05-02. Review status: no assertion criteria provided. Collection method: clinical testing. Allele origin: germline. Not counted in ClinVar's aggregate classification.
Comment: This variant is classified as benign based on ACMG/AMP sequence variant interpretation guidelines (Richards et al. 2015 PMID: 25741868, with internal and published modifications).